The following is an entry in ClinVar:

ClinVar aggregate classification (germline): Likely benign (1 of 4 stars; one submission).

Allele frequency attached by ClinVar (database versions not stated): 1000 Genomes Project 0.00060; 1000 Genomes Project 30x 0.00094; TOPMed 0.00281; ExAC 0.00314; gnomAD 0.00320; ESP Exome Variant Server 0.00392; gnomAD exomes 0.00414.
gnomAD v4.1: 6,541 of 1,612,130 alleles (0.41%); highest among the groups gnomAD compares: Non-Finnish European, 0.5%; 20 homozygotes.

Submission:

CeGaT Center for Human Genetics Tuebingen
Classification: Likely benign. Last evaluated: 2023-04-01. Review status: criteria provided, single submitter. Criteria: CeGaT Center For Human Genetics Tuebingen Variant Classification Criteria Version 2. Collection method: clinical testing. Allele origin: germline. Affected: yes. Observed: 1 variant allele.
Comment: TNFRSF19: BP4, BS2

NM_148957.4(TNFRSF19):c.1245+11G>A

Gene: TNFRSF19 (TNF receptor superfamily member 19; plus strand). Cytogenetic location: 13q12.12.
Variant type: single nucleotide variant.
Coding change: c.1245+11G>A on transcript NM_148957.4 (MANE Select); 11 bases into the intron after coding-DNA position 1245, G replaced by A.
Molecular consequence: intron variant. On other transcripts: missense variant (1).
Genome position (GRCh38, 1-based): chr13:23,669,108, G>A. VCF-style: chr13-23669108-G-A. GRCh37 (hg19) VCF-style: chr13-24243247-G-A.
Other names: c.1256G>A, p.Arg419Gln (NM_018647.5); c.849+11G>A (NM_001204459.2); c.1245+11G>A (NM_001204458.3); c.839+1026G>A (NM_001354985.2); short protein forms R419Q.
Identifiers: ClinVar variation 2643681 (VCV002643681.24), dbSNP rs145685720, ClinGen allele CA6912625.